The following is an entry in ClinVar:

NM_004484.4(GPC3):c.838G>A (p.Val280Met)

Gene: GPC3 (glypican 3; minus strand). Cytogenetic location: Xq26.2.
Variant type: single nucleotide variant.
Coding change: c.838G>A on transcript NM_004484.4 (MANE Select); coding-DNA position 838, G replaced by A.
Protein change: p.Val280Met; replaces valine 280 with methionine.
Molecular consequence: missense variant.
Genome position (GRCh38, 1-based): chrX:133,753,676, C>T on the plus strand (G>A on the coding strand, the complement: GPC3 is on the minus strand). VCF-style: chrX-133753676-C-T. GRCh37 (hg19) VCF-style: chrX-132887703-C-T.
Other names: c.838G>A, p.Val280Met (NM_001164617.2); c.790G>A, p.Val264Met (NM_001164618.2); c.676G>A, p.Val226Met (NM_001164619.2); short protein forms V280M, V264M, V226M.
Identifiers: ClinVar variation 476668 (VCV000476668.9), dbSNP rs1556297668, ClinGen allele CA414705608.

ClinVar aggregate classification (germline): Uncertain significance (1 of 4 stars; one submission).

Conditions:
Wilms tumor 1 (WT1). Also called: Wilms tumor, somatic. Identifiers: Orphanet 654, MedGen CN033288, MONDO:0008679, OMIM 194070.

Submission:

Labcorp Genetics (formerly Invitae), Labcorp
Classification: Uncertain significance for Wilms tumor 1. Last evaluated: 2017-07-16. Review status: criteria provided, single submitter. Criteria: Invitae Variant Classification Sherloc (09022015). Collection method: clinical testing. Allele origin: germline.
Comment: In summary, the available evidence is currently insufficient to determine the role of this variant in disease. Therefore, it has been classified as a Variant of Uncertain Significance. Algorithms developed to predict the effect of missense changes on protein structure and function (SIFT, PolyPhen-2, Align-GVGD) all suggest that this variant is likely to be tolerated, but these predictions have not been confirmed by published functional studies and their clinical significance is uncertain. This variant has not been reported in the literature in individuals with GPC3-related disease. This variant is not present in population databases (ExAC no frequency). This sequence change replaces valine with methionine at codon 280 of the GPC3 protein (p.Val280Met). The valine residue is moderately conserved and there is a small physicochemical difference between valine and methionine.